The following is an entry in ClinVar:

ClinVar aggregate classification (germline): Conflicting classifications of pathogenicity. Review status: criteria provided, conflicting classifications (1 of 4 stars). 6 submissions from 6 submitters: Uncertain significance (5); Likely benign (1). Last evaluated 2026-02-13.

Conditions:
Early-onset myopathy with fatal cardiomyopathy (CMYO5). Also called: Salih Myopathy; CONGENITAL MYOPATHY 5 WITH CARDIOMYOPATHY. Identifiers: Orphanet 289377, MedGen C2673677, MONDO:0012714, OMIM 611705. Disease mechanism: loss of function.
Dilated cardiomyopathy 1G (CMD1G). Identifiers: Orphanet 154, MedGen C1858763, MONDO:0011400, OMIM 604145.
Tibial muscular dystrophy (TMD). Also called: UDD MYOPATHY; Tibial muscular dystrophy, tardive; Udd Distal Myopathy – Tibial Muscular Dystrophy. Identifiers: Orphanet 609, MedGen C1838244, MONDO:0010870, OMIM 600334.
Autosomal recessive limb-girdle muscular dystrophy type 2J (LGMDR10). Also called: Limb-girdle muscular dystrophy, type 2J; MUSCULAR DYSTROPHY, LIMB-GIRDLE, AUTOSOMAL RECESSIVE 10. Identifiers: Orphanet 140922, MedGen C1837342, MONDO:0012127, OMIM 608807.
Hypertrophic cardiomyopathy 9. Also called: Familial hypertrophic cardiomyopathy 9. Identifiers: MedGen C1861065, MONDO:0013412, OMIM 613765.
Myopathy, myofibrillar, 9, with early respiratory failure (MFM9). Also called: Hereditary myopathy with early respiratory failure; MYOPATHY, PROXIMAL, WITH EARLY RESPIRATORY MUSCLE INVOLVEMENT; EDSTROM MYOPATHY; Myopathy, distal, with early respiratory failure, autosomal dominant. Identifiers: Orphanet 178464, Orphanet 34521, MedGen C1863599, MONDO:0011362, OMIM 603689.
Cardiomyopathy (CMYO). Also called: Cardiomyopathies. Identifiers: Orphanet 167848, MedGen C0878544, MONDO:0004994, HP:0001638. Inheritance: Various modes of inheritance.
TTN-related disorder. Also called: TTN-related condition; TTN-related disease; TTN-related disorders.

Allele frequency attached by ClinVar (database versions not stated): gnomAD exomes 0.00003 and 0.00005; ExAC 0.00005; gnomAD 0.00006; TOPMed 0.00006; ESP Exome Variant Server 0.00008.
gnomAD v4.1: 57 of 1,612,124 alleles (0.0035%); highest among the groups gnomAD compares: Middle Eastern, 0.033%; no homozygotes.

Submissions (6):

PreventionGenetics, part of Exact Sciences
Classification: Uncertain significance for TTN-related condition. Last evaluated: 2026-02-13. Review status: criteria provided, single submitter. Criteria: ACMG Guidelines, 2015. Collection method: clinical testing. Allele origin: germline.
Comment: The TTN c.48838G>A variant is predicted to result in the amino acid substitution p.Ala16280Thr. To our knowledge, this variant has not been reported in the literature. This variant is reported in 0.020% of alleles in individuals of Latino descent in gnomAD. At this time, the clinical significance of this variant is uncertain due to the absence of conclusive functional and genetic evidence.

CHEO Genetics Diagnostic Laboratory, Children's Hospital of Eastern Ontario
Classification: Likely benign for Cardiomyopathy. Last evaluated: 2022-02-11. Review status: criteria provided, single submitter. Criteria: ACMG Guidelines, 2015. Collection method: clinical testing. Allele origin: germline.

Revvity Omics, Revvity
Classification: Uncertain significance. Last evaluated: 2019-03-29. Review status: criteria provided, single submitter. Criteria: ACMG Guidelines, 2015. Collection method: clinical testing. Allele origin: germline.

Fulgent Genetics
Classification: Uncertain significance for Tibial muscular dystrophy; Myopathy, myofibrillar, 9, with early respiratory failure; Dilated cardiomyopathy 1G; Autosomal recessive limb-girdle muscular dystrophy type 2J; Early-onset myopathy with fatal cardiomyopathy; Hypertrophic cardiomyopathy 9. Last evaluated: 2018-10-31. Review status: criteria provided, single submitter. Criteria: ACMG Guidelines, 2015. Collection method: clinical testing. Allele origin: unknown.

Labcorp Genetics (formerly Invitae), Labcorp
Classification: Uncertain significance for Dilated cardiomyopathy 1G; Autosomal recessive limb-girdle muscular dystrophy type 2J. Last evaluated: 2017-11-11. Review status: criteria provided, single submitter. Criteria: Invitae Variant Classification Sherloc (09022015). Collection method: clinical testing. Allele origin: germline.

Eurofins Ntd Llc (ga)
Classification: Uncertain significance. Last evaluated: 2016-09-05. Review status: criteria provided, single submitter. Criteria: EGL Classification Definitions 2015. Collection method: clinical testing. Allele origin: germline. Observed: 1 variant allele, 1 heterozygote.

NM_001267550.2(TTN):c.48838G>A (p.Ala16280Thr)

Genes: TTN (titin; minus strand), TTN-AS1 (TTN antisense RNA 1; plus strand), LOC126806426 (BRD4-independent group 4 enhancer GRCh37_chr2:179478848-179480047; plus strand). Cytogenetic location: 2q31.2.
Variant type: single nucleotide variant.
Coding change: c.48838G>A on transcript NM_001267550.2 (MANE Select); coding-DNA position 48838, G replaced by A.
Protein change: p.Ala16280Thr; replaces alanine 16280 with threonine.
Molecular consequence: missense variant. On other transcripts: non-coding transcript variant (1).
Genome position (GRCh38, 1-based): chr2:178,614,676, C>T on the plus strand (G>A on the coding strand, the complement: TTN is on the minus strand). VCF-style: chr2-178614676-C-T. GRCh37 (hg19) VCF-style: chr2-179479403-C-T.
Other names: c.43915G>A, p.Ala14639Thr (NM_001256850.1); c.21643G>A, p.Ala7215Thr (NM_003319.4); c.41134G>A, p.Ala13712Thr (NM_133378.4); c.22018G>A, p.Ala7340Thr (NM_133432.3); c.22219G>A, p.Ala7407Thr (NM_133437.4); short protein forms A13712T, A16280T, A7340T, A7407T, A14639T, A7215T.
Identifiers: ClinVar variation 290706 (VCV000290706.14), dbSNP rs372911542, ClinGen allele CA1994738.